The following is an entry in ClinVar:

ClinVar aggregate classification (germline): Uncertain significance (1 of 4 stars; one submission).

Submission:

GeneDx
Classification: Uncertain significance. Last evaluated: 2022-03-24. Review status: criteria provided, single submitter. Criteria: GeneDx Variant Classification Process June 2021. Collection method: clinical testing. Allele origin: germline. Affected: yes.
Comment: Not observed at significant frequency in large population cohorts (gnomAD); Frameshift variant predicted to result in protein truncation or nonsense mediated decay in a gene or region of a gene for which loss of function is not a well-established mechanism of disease; Has not been previously published as pathogenic or benign to our knowledge

NM_022841.7(RFX7):c.302del (p.Ser101fs)

Gene: RFX7 (regulatory factor X7; minus strand). Cytogenetic location: 15q21.3.
Variant type: Deletion.
Coding change: c.302del on transcript NM_022841.7 (MANE Select); coding-DNA position 302, one base deleted (G; older notation c.302delG).
Protein change: p.Ser101fs; shifts the reading frame from serine 101.
Molecular consequence: frameshift variant.
Genome position (GRCh38, 1-based): chr15:56,142,877, C deleted on the plus strand (G on the coding strand, the reverse complement: RFX7 is on the minus strand). VCF-style (leftmost placement, unchanged base first): chr15-56142876-AC-A. GRCh37 (hg19) VCF-style: chr15-56435074-AC-A.
Other names: c.11del, p.Ser4fs (NM_001368073.2, NM_001368074.1, NM_001370554.1); c.302del, p.Ser101fs (NM_001370561.1); short protein forms S101fs, S4fs.
Identifiers: ClinVar variation 1707982 (VCV001707982.2), dbSNP rs2042420302, ClinGen allele CA2179191518.
Genomic context (GRCh38, chr15:56,142,876, plus strand): 5'-CTCCGGATGTTCCTCTAGGGTATTCCGAATCCAGGAAAAGGCATGCATTTGTTGTGCCCG[AC>A]TAGATGACATGGCATTCTGATCACTAATAGAATGAAAACATGTTTTAGCTGACCAGACAG-3'